The following is an entry in ClinVar:

ClinVar aggregate classification (germline): Uncertain significance. Review status: criteria provided, multiple submitters, no conflicts (2 of 4 stars). 2 submissions from 2 submitters: Uncertain significance (2). Last evaluated 2024-11-05.

Conditions:
Familial focal epilepsy with variable foci (FPEVF). Identifiers: Orphanet 98820, MedGen C1858477, MONDO:0020310.

Allele frequency attached by ClinVar (database versions not stated): TOPMed below 0.00001; gnomAD 0.00001; gnomAD exomes 0.00001.
gnomAD v4.1: 5 of 1,614,062 alleles (0.00031%); highest among the groups gnomAD compares: Admixed American, 0.0067%; no homozygotes.

Submissions (2):

Labcorp Genetics (formerly Invitae), Labcorp
Classification: Uncertain significance for Familial focal epilepsy with variable foci. Last evaluated: 2024-11-05. Review status: criteria provided, single submitter. Criteria: Invitae Variant Classification Sherloc (09022015). Collection method: clinical testing. Allele origin: germline.
Comment: This sequence change replaces glutamine, which is neutral and polar, with glutamic acid, which is acidic and polar, at codon 465 of the DEPDC5 protein (p.Gln465Glu). This variant is present in population databases (no rsID available, gnomAD 0.006%). This variant has not been reported in the literature in individuals affected with DEPDC5-related conditions. ClinVar contains an entry for this variant (Variation ID: 1057376). Experimental studies and prediction algorithms are not available or were not evaluated, and the functional significance of this variant is currently unknown. In summary, the available evidence is currently insufficient to determine the role of this variant in disease. Therefore, it has been classified as a Variant of Uncertain Significance.

GeneDx
Classification: Uncertain significance. Last evaluated: 2024-09-12. Review status: criteria provided, single submitter. Criteria: GeneDx Variant Classification Process June 2021. Collection method: clinical testing. Allele origin: germline. Affected: yes.
Comment: In silico analysis supports that this missense variant has a deleterious effect on protein structure/function; Has not been previously published as pathogenic or benign to our knowledge

NM_001242896.3(DEPDC5):c.1393C>G (p.Gln465Glu)

Gene: DEPDC5 (DEP domain containing 5, GATOR1 subcomplex subunit; plus strand). Cytogenetic location: 22q12.3.
Variant type: single nucleotide variant.
Coding change: c.1393C>G on transcript NM_001242896.3 (MANE Select); coding-DNA position 1393, C replaced by G.
Protein change: p.Gln465Glu; replaces glutamine 465 with glutamic acid.
Molecular consequence: missense variant. On other transcripts: non-coding transcript variant (5).
Genome position (GRCh38, 1-based): chr22:31,810,589, C>G. VCF-style: chr22-31810589-C-G. GRCh37 (hg19) VCF-style: chr22-32206575-C-G.
Other names: c.1393C>G (NM_001242896.1); c.1393C>G, p.Gln465Glu (NM_001007188.4, NM_001136029.4, NM_001242897.2 and 7 more transcripts); c.1309C>G, p.Gln437Glu (NM_001369901.1, NM_001369902.1); short protein forms Q437E, Q465E.
Identifiers: ClinVar variation 1057376 (VCV001057376.9), dbSNP rs886039260, ClinGen allele CA323312160.